The following is an entry in ClinVar:

NM_022455.5(NSD1):c.6455G>A (p.Arg2152Gln)

Gene: NSD1 (nuclear receptor binding SET domain protein 1; plus strand). Cytogenetic location: 5q35.3.
Variant type: single nucleotide variant.
Coding change: c.6455G>A on transcript NM_022455.5 (MANE Select); coding-DNA position 6455, G replaced by A.
Protein change: p.Arg2152Gln; replaces arginine 2152 with glutamine.
Molecular consequence: missense variant.
Genome position (GRCh38, 1-based): chr5:177,292,150, G>A. VCF-style: chr5-177292150-G-A. GRCh37 (hg19) VCF-style: chr5-176719151-G-A.
Other names: c.5582G>A, p.Arg1861Gln (NM_001409308.1, NM_172349.5, NM_001365684.2); c.5333G>A, p.Arg1778Gln (NM_001409309.1); c.6455G>A, p.Arg2152Gln (NM_001409301.1, NM_001409302.1, NM_001409303.1); c.6035G>A, p.Arg2012Gln (NM_001409304.1); c.5702G>A, p.Arg1901Gln (NM_001409305.1); c.5693G>A, p.Arg1898Gln (NM_001409306.1, NM_001409307.1); short protein forms R2152Q, R1883Q, R1861Q, R1898Q, R1901Q, R2012Q, R1778Q.
Identifiers: ClinVar variation 159422 (VCV000159422.22), dbSNP rs587784200, ClinGen allele CA295080.
Genomic context (GRCh38, chr5:177,292,150, plus strand): 5'-CCTGCAAGAAACCAGGCTGCCCAAAAGTTTACCACGCAGACTGTCTCAATCTGACCAAGC[G>A]ACCAGCAGGTTGGTGCCAAAATCCATTTGTACCGCTACTCGTTCTCTCCATCATACTCAG-3'
Protein context (NP_071900.2, residues 2142-2162): YHADCLNLTK[Arg2152Gln]PAGKWECPWH

ClinVar aggregate classification (germline): Pathogenic/Likely pathogenic. Review status: criteria provided, multiple submitters, no conflicts (2 of 4 stars). 8 submissions from 8 submitters: Pathogenic (5); Likely pathogenic (3). Last evaluated 2025-08-07.

Conditions:
Sotos syndrome (SOTOS). Also called: Distinctive facial appearance, overgrowth in childhood, and learning disabilities or delayed development; CEREBRAL GIGANTISM; Sotos' syndrome; CHROMOSOME 5q35 DELETION SYNDROME; SOTOS SYNDROME 1. Identifiers: Orphanet 821, MedGen C0175695, MONDO:0019349, OMIM 117550.

Submissions (8):

GeneDx
Classification: Likely pathogenic. Last evaluated: 2025-08-07. Review status: criteria provided, single submitter. Criteria: GeneDx Variant Classification Process June 2021. Collection method: clinical testing. Allele origin: germline. Affected: yes.
Comment: Not observed at significant frequency in large population cohorts (gnomAD); In silico analysis suggests that this missense variant does not alter protein structure/function; This variant is associated with the following publications: (PMID: 15720303, 28475857, 26896805, 37066965, Pontone2025[Abstract], 38535015)

Labcorp Genetics (formerly Invitae), Labcorp
Classification: Pathogenic. Last evaluated: 2025-06-22. Review status: criteria provided, single submitter. Criteria: Invitae Variant Classification Sherloc (09022015). Collection method: clinical testing. Allele origin: germline.
Comment: This sequence change replaces arginine, which is basic and polar, with glutamine, which is neutral and polar, at codon 2152 of the NSD1 protein (p.Arg2152Gln). This variant is not present in population databases (gnomAD no frequency). This missense change has been observed in individuals with clinical features of Sotos syndrome (PMID: 15720303, 28475857, 38535015; internal data). ClinVar contains an entry for this variant (Variation ID: 159422). Invitae Evidence Modeling of protein sequence and biophysical properties (such as structural, functional, and spatial information, amino acid conservation, physicochemical variation, residue mobility, and thermodynamic stability) indicates that this missense variant is expected to disrupt NSD1 protein function with a positive predictive value of 95%. This variant disrupts the p.Arg2152 amino acid residue in NSD1. Other variant(s) that disrupt this residue have been determined to be pathogenic (internal data). This suggests that this residue is clinically significant, and that variants that disrupt this residue are likely to be disease-causing. For these reasons, this variant has been classified as Pathogenic.

Institute of Human Genetics, University of Leipzig Medical Center
Classification: Pathogenic for Sotos syndrome. Last evaluated: 2024-08-15. Review status: criteria provided, single submitter. Criteria: ACMG Guidelines, 2015. Collection method: clinical testing. Allele origin: unknown. Inheritance: Autosomal dominant inheritance. Affected: yes.
Comment: Criteria applied: PS2_MOD,PS4_MOD,PM1,PM2,PM5,PP2,PP3

Equipe Genetique des Anomalies du Developpement, Université de Bourgogne
Classification: Pathogenic for Sotos syndrome. Last evaluated: 2023-01-31. Review status: criteria provided, single submitter. Criteria: ACMG Guidelines, 2015. Collection method: clinical testing. Allele origin: de novo. Affected: yes.

MGZ Medical Genetics Center
Classification: Pathogenic for Sotos syndrome. Last evaluated: 2022-08-22. Review status: criteria provided, single submitter. Criteria: ACMG Guidelines, 2015. Collection method: clinical testing. Allele origin: germline. Affected: yes. Observed: 1 variant allele.
Comment: ACMG criteria applied: PS2, PM1, PM5, PM2_SUP, PP3

Genome-Nilou Lab
Classification: Likely pathogenic for Sotos syndrome. Last evaluated: 2021-07-15. Review status: criteria provided, single submitter. Criteria: ACMG Guidelines, 2015. Collection method: clinical testing. Allele origin: germline. Affected: no.

Revvity Omics, Revvity
Classification: Likely pathogenic for Sotos syndrome. Last evaluated: 2019-09-09. Review status: criteria provided, single submitter. Criteria: ACMG Guidelines, 2015. Collection method: clinical testing. Allele origin: germline.

Genetic Services Laboratory, University of Chicago
Classification: Pathogenic for Sotos syndrome 1. Last evaluated: 2013-02-08. Review status: criteria provided, single submitter. Criteria: ACMG Guidelines, 2007. Collection method: clinical testing. Allele origin: germline. Inheritance: Autosomal dominant inheritance. Affected: yes.

Literature cited by the submitters: PubMed 15720303 (cited by Labcorp Genetics (formerly Invitae), Labcorp); PubMed 28475857 (cited by Labcorp Genetics (formerly Invitae), Labcorp); PubMed 38535015 (cited by Labcorp Genetics (formerly Invitae), Labcorp).